The following is an entry in ClinVar:

NM_003482.4(KMT2D):c.15975C>T (p.Pro5325=)

Gene: KMT2D (lysine methyltransferase 2D; minus strand). Cytogenetic location: 12q13.12.
Variant type: single nucleotide variant.
Coding change: c.15975C>T on transcript NM_003482.4 (MANE Select); coding-DNA position 15975, C replaced by T.
Protein change: p.Pro5325=; no amino-acid change (proline 5325 retained).
Molecular consequence: synonymous variant.
Genome position (GRCh38, 1-based): chr12:49,024,655, G>A on the plus strand (C>T on the coding strand, the complement: KMT2D is on the minus strand). VCF-style: chr12-49024655-G-A. GRCh37 (hg19) VCF-style: chr12-49418438-G-A.
Identifiers: ClinVar variation 1217183 (VCV001217183.14), dbSNP rs780850935, ClinGen allele CA6545451.

ClinVar aggregate classification (germline): Likely benign. Review status: criteria provided, multiple submitters, no conflicts (2 of 4 stars). 4 submissions from 4 submitters: Likely benign (3). 1 of the submissions does not count toward it. Last evaluated 2024-03-07.

Conditions:
Kabuki syndrome. Also called: NIIKAWA-KUROKI SYNDROME; Kabuki make-up syndrome. Identifiers: Orphanet 2322, MedGen C0796004, MONDO:0016512.
KMT2D-related disorder. Also called: KMT2D-Related Disorders.

Allele frequency attached by ClinVar (database versions not stated): TOPMed below 0.00001; gnomAD exomes 0.00001 and 0.00002; ExAC 0.00002.
gnomAD v4.1: 28 of 1,613,904 alleles (0.0017%); highest among the groups gnomAD compares: South Asian, 0.027%; no homozygotes.

Submissions (4):

Labcorp Genetics (formerly Invitae), Labcorp
Classification: Likely benign for Kabuki syndrome. Last evaluated: 2024-03-07. Review status: criteria provided, single submitter. Criteria: Invitae Variant Classification Sherloc (09022015). Collection method: clinical testing. Allele origin: germline.

GeneDx
Classification: Likely benign. Last evaluated: 2020-09-28. Review status: criteria provided, single submitter. Criteria: GeneDx Variant Classification Process June 2021. Collection method: clinical testing. Allele origin: germline. Affected: yes.

Blueprint Genetics
Classification: Likely benign. Last evaluated: 2020-08-18. Review status: criteria provided, single submitter. Criteria: ACMG Guidelines, 2015. Collection method: clinical testing. Allele origin: germline.

PreventionGenetics, part of Exact Sciences
Classification: Likely benign for KMT2D-related condition. Last evaluated: 2022-12-22. Review status: no assertion criteria provided. Collection method: clinical testing. Allele origin: germline. Not counted in ClinVar's aggregate classification.
Comment: This variant is classified as likely benign based on ACMG/AMP sequence variant interpretation guidelines (Richards et al. 2015 PMID: 25741868, with internal and published modifications).